The following is an entry in ClinVar:

ClinVar aggregate classification (germline): Pathogenic/Likely pathogenic. Review status: criteria provided, multiple submitters, no conflicts (2 of 4 stars). 3 submissions from 3 submitters: Pathogenic (1); Likely pathogenic (1). 1 of the submissions does not count toward it. Last evaluated 2024-01-06.

Conditions:
Renal dysplasia and retinal aplasia (SLSN). Also called: Senior-Loken syndrome. Identifiers: Orphanet 3156, MedGen C0403553, MONDO:0017842.
Asphyxiating thoracic dystrophy 4 (SRTD4). Also called: SHORT-RIB THORACIC DYSPLASIA 4 WITH OR WITHOUT POLYDACTYLY; SHORT-RIB THORACIC DYSPLASIA 4. Identifiers: Orphanet 474, MedGen C3151185, MONDO:0013441, OMIM 613819.
Nephronophthisis 12 (NPHP12). Identifiers: Orphanet 655, MedGen C3151186, MONDO:0013442, OMIM 613820.

Allele frequency attached by ClinVar (database versions not stated): ExAC 0.00001; gnomAD 0.00001; TOPMed 0.00001; gnomAD exomes 0.00002.
gnomAD v4.1: 11 of 1,606,082 alleles (0.00068%); highest among the groups gnomAD compares: Non-Finnish European, 0.00017%; no homozygotes.

Submissions (3):

Fulgent Genetics
Classification: Pathogenic for Asphyxiating thoracic dystrophy 4; Nephronophthisis 12. Last evaluated: 2024-01-06. Review status: criteria provided, single submitter. Criteria: ACMG Guidelines, 2015. Collection method: clinical testing. Allele origin: germline.

GeneDx
Classification: Likely pathogenic. Last evaluated: 2017-02-27. Review status: criteria provided, single submitter. Criteria: GeneDx Variant Classification (06012015). Collection method: clinical testing. Allele origin: germline. Affected: yes.
Comment: The c.1088-1G>C variant in the TTC21B gene has been reported previously in two siblings with ciliopathy, however no second TTC21B variant was identified and the siblings were compound heterozygous for two variants in the CRB2 gene (Jaron et al., 2016). This splice site variant destroys the canonical splice acceptor site in intron 9. It is predicted to cause abnormal gene splicing, either leading to an abnormal message that is subject to nonsense-mediated mRNA decay, or to an abnormal protein product if the message is used for protein translation. The c.1088-1G>C variant is not observed at a significant frequency in large population cohorts (Lek et al., 2016; 1000 Genomes Consortium et al., 2015; Exome Variant Server). We interpret c.1088-1G>C as a likely pathogenic variant.

Sharon lab, Hadassah-Hebrew University Medical Center
Classification: Pathogenic for Senior Loken syndrome. Last evaluated: 2019-06-23. Review status: no assertion criteria provided. Collection method: research. Allele origin: inherited. Affected: yes. Not counted in ClinVar's aggregate classification.

NM_024753.5(TTC21B):c.1088-1G>C

Gene: TTC21B (tetratricopeptide repeat domain 21B; minus strand). Cytogenetic location: 2q24.3.
Variant type: single nucleotide variant.
Coding change: c.1088-1G>C on transcript NM_024753.5 (MANE Select); the canonical splice acceptor site of the intron before coding-DNA position 1088, G replaced by C.
Molecular consequence: splice acceptor variant.
Genome position (GRCh38, 1-based): chr2:165,929,748, C>G on the plus strand (G>C on the coding strand, the complement: TTC21B is on the minus strand). VCF-style: chr2-165929748-C-G. GRCh37 (hg19) VCF-style: chr2-166786258-C-G.
Identifiers: ClinVar variation 449860 (VCV000449860.4), dbSNP rs753627675, ClinGen allele CA1942231.